The following is an entry in ClinVar:

ClinVar aggregate classification (germline): Benign/Likely benign. Review status: criteria provided, multiple submitters, no conflicts (2 of 4 stars). 5 submissions from 5 submitters: Benign (1); Likely benign (4). Last evaluated 2025-04-20.

Conditions:
Hereditary cancer-predisposing syndrome. Also called: Neoplastic Syndromes, Hereditary; Hereditary Cancer Syndrome; Tumor predisposition; Hereditary neoplastic syndrome. Identifiers: Orphanet 140162, MedGen C0027672, MeSH D009386, MONDO:0015356.
ATM-related cancer predisposition. Also called: ATM-related cancer susceptibility. Identifiers: MedGen CN377759, MONDO:0700270.
Familial cancer of breast. Also called: Hereditary breast cancer; BREAST CANCER, FAMILIAL; hereditary breast carcinoma. Identifiers: Orphanet 227535, MedGen C0346153, MONDO:0016419, OMIM 114480. Disease mechanism: loss of function.
Ataxia-telangiectasia syndrome (AT). Also called: LOUIS-BAR SYNDROME; Cerebello-oculocutaneous telangiectasia; Immunodeficiency with ataxia telangiectasia; Ataxia-telangiectasia, complementation group D; AT, COMPLEMENTATION GROUP C; Ataxia-telangiectasia, complementation group E. Identifiers: Orphanet 100, MedGen C0004135, MONDO:0008840, OMIM 208900.

Allele frequency attached by ClinVar (database versions not stated): TOPMed below 0.00001.
gnomAD v4.1: 4 of 1,614,178 alleles (0.00025%); highest among the groups gnomAD compares: Non-Finnish European, 0.00034%; no homozygotes.

Submissions (5):

Labcorp Genetics (formerly Invitae), Labcorp
Classification: Likely benign for Ataxia-telangiectasia syndrome. Last evaluated: 2025-04-20. Review status: criteria provided, single submitter. Criteria: Invitae Variant Classification Sherloc (09022015). Collection method: clinical testing. Allele origin: germline.

Department of Pathology and Laboratory Medicine, Sinai Health System
Classification: Likely benign for ATM-related cancer predisposition. Last evaluated: 2025-01-02. Review status: criteria provided, single submitter. Criteria: ACMG Guidelines, 2015. Collection method: clinical testing. Allele origin: germline.

Myriad Genetics, Inc.
Classification: Benign for Familial cancer of breast. Last evaluated: 2024-06-14. Review status: criteria provided, single submitter. Criteria: Myriad Autosomal Dominant, Autosomal Recessive and X-Linked Classification Criteria (2023). Collection method: clinical testing. Allele origin: unknown.
Comment: This variant is considered benign. This variant is a silent/synonymous amino acid change and it is not expected to impact splicing.

Color Diagnostics, LLC DBA Color Health
Classification: Likely benign for Hereditary cancer-predisposing syndrome. Last evaluated: 2019-01-22. Review status: criteria provided, single submitter. Criteria: ACMG Guidelines, 2015. Collection method: clinical testing. Allele origin: germline.

Ambry Genetics
Classification: Likely benign for Hereditary cancer-predisposing syndrome. Last evaluated: 2016-02-11. Review status: criteria provided, single submitter. Criteria: Ambry Variant Classification Scheme 2023. Collection method: clinical testing. Allele origin: germline.

NM_000051.4(ATM):c.7464T>C (p.Cys2488=)

Genes: ATM (ATM serine/threonine kinase; plus strand), C11orf65 (chromosome 11 open reading frame 65; minus strand). Cytogenetic location: 11q22.3.
Variant type: single nucleotide variant.
Coding change: c.7464T>C on transcript NM_000051.4 (MANE Select); coding-DNA position 7464, T replaced by C.
Protein change: p.Cys2488=; no amino-acid change (cysteine 2488 retained).
Molecular consequence: synonymous variant. On other transcripts: intron variant (2).
Genome position (GRCh38, 1-based): chr11:108,330,370, T>C. VCF-style: chr11-108330370-T-C. GRCh37 (hg19) VCF-style: chr11-108201097-T-C.
Other names: c.7464T>C, p.Cys2488= (NM_001351834.2); c.641-21299A>G (NM_001330368.2); c.*38+4850A>G (NM_001351110.2).
Identifiers: ClinVar variation 478928 (VCV000478928.20), dbSNP rs1555123227, ClinGen allele CA476676961.